The following is an entry in ClinVar:

NM_001009999.3(KDM1A):c.1082C>T (p.Pro361Leu)

Gene: KDM1A (lysine demethylase 1A; plus strand). Cytogenetic location: 1p36.12.
Variant type: single nucleotide variant.
Coding change: c.1082C>T on transcript NM_001009999.3 (MANE Select); coding-DNA position 1082, C replaced by T.
Protein change: p.Pro361Leu; replaces proline 361 with leucine.
Molecular consequence: missense variant.
Genome position (GRCh38, 1-based): chr1:23,059,082, C>T. VCF-style: chr1-23059082-C-T. GRCh37 (hg19) VCF-style: chr1-23385575-C-T.
Other names: c.1022C>T, p.Pro341Leu (NM_001363654.2, NM_001410763.1, NM_015013.4); c.1082C>T, p.Pro361Leu (NM_001410762.1); short protein forms P361L, P341L.
Identifiers: ClinVar variation 4622714 (VCV004622714.1).

ClinVar aggregate classification (germline): Uncertain significance (1 of 4 stars; one submission).

Conditions:
Inborn genetic diseases. Identifiers: MedGen C0950123, MeSH D030342.

Submission:

Ambry Genetics
Classification: Uncertain significance for Inborn genetic diseases. Last evaluated: 2025-11-17. Review status: criteria provided, single submitter. Criteria: Ambry Variant Classification Scheme 2023. Collection method: clinical testing. Allele origin: germline.
Comment: The p.P361L variant (also known as c.1082C>T), located in coding exon 9 of the KDM1A gene, results from a C to T substitution at nucleotide position 1082. The proline at codon 361 is replaced by leucine, an amino acid with similar properties. This amino acid position is conserved. In addition, this alteration is predicted to be deleterious by in silico analysis. Based on the available evidence, the clinical significance of this variant remains unclear.